The following is an entry in ClinVar:

ClinVar aggregate classification (germline): Pathogenic (1 of 4 stars; one submission).

Conditions:
Severe combined immunodeficiency due to DCLRE1C deficiency (RS-SCID). Also called: SCID, AUTOSOMAL RECESSIVE, T CELL-NEGATIVE, B CELL-NEGATIVE, NK CELL-POSITIVE, WITH SENSITIVITY TO IONIZING RADIATION. Identifiers: Orphanet 275, MedGen C1865371, MONDO:0011225, OMIM 602450.

Submission:

Labcorp Genetics (formerly Invitae), Labcorp
Classification: Pathogenic for Athabaskan severe combined immunodeficiency. Last evaluated: 2022-08-25. Review status: criteria provided, single submitter. Criteria: Invitae Variant Classification Sherloc (09022015). Collection method: clinical testing. Allele origin: germline.
Comment: This variant is not present in population databases (gnomAD no frequency). For these reasons, this variant has been classified as Pathogenic. This variant has not been reported in the literature in individuals affected with DCLRE1C-related conditions. This sequence change creates a premature translational stop signal (p.Tyr163Cysfs*9) in the DCLRE1C gene. It is expected to result in an absent or disrupted protein product. Loss-of-function variants in DCLRE1C are known to be pathogenic (PMID: 21664875, 26123418).

Literature cited by the submitters: PubMed 21664875; PubMed 26123418.

NM_001033855.3(DCLRE1C):c.484_487dup (p.Tyr163fs)

Gene: DCLRE1C (DNA cross-link repair 1C; minus strand). Cytogenetic location: 10p13.
Variant type: Duplication.
Coding change: c.484_487dup on transcript NM_001033855.3 (MANE Select); coding-DNA positions 484 to 487, 4 bases duplicated (GTAT; older notation c.484_487dupGTAT).
Protein change: p.Tyr163fs; shifts the reading frame from tyrosine 163.
Molecular consequence: frameshift variant. On other transcripts: non-coding transcript variant (4).
Genome position (GRCh38, 1-based): chr10:14,934,753-14,934,756, ATAC duplicated on the plus strand (GTAT on the coding strand, the reverse complement: DCLRE1C is on the minus strand); duplicating any 4 consecutive bases within chr10:14,934,753-14,934,757 gives the same sequence; the c. name uses the placement nearest the transcript's 3' end. VCF-style (leftmost placement, unchanged base first): chr10-14934752-T-TATAC. GRCh37 (hg19) VCF-style: chr10-14976751-T-TATAC.
Other names: c.124_127dup, p.Tyr43fs (NM_001033857.3, NM_001033858.3, NM_001289077.2 and 2 more transcripts); c.139_142dup, p.Tyr48fs (NM_001289076.2, NM_001289078.2, NM_001350966.2 and 1 more transcripts); c.484_487dup, p.Tyr163fs (NM_001350965.2); short protein forms Y43fs, Y48fs, Y163fs.
Identifiers: ClinVar variation 2027073 (VCV002027073.4), dbSNP rs2492029160, ClinGen allele CA2580081365.